The following is an entry in ClinVar:

NM_001148.6(ANK2):c.9212T>G (p.Val3071Gly)

Gene: ANK2 (ankyrin 2; plus strand). Cytogenetic location: 4q26.
Variant type: single nucleotide variant.
Coding change: c.9212T>G on transcript NM_001148.6 (MANE Select); coding-DNA position 9212, T replaced by G.
Protein change: p.Val3071Gly; replaces valine 3071 with glycine.
Molecular consequence: missense variant. On other transcripts: intron variant (68).
Genome position (GRCh38, 1-based): chr4:113,357,830, T>G. VCF-style: chr4-113357830-T-G. GRCh37 (hg19) VCF-style: chr4-114278986-T-G.
Other names: c.4166-2993T>G (NM_001386156.1, NM_001354257.2); c.4262-2993T>G (NM_001354264.2); c.4241-2993T>G (NM_001354267.2, NM_001386162.1, NM_001354249.2 and 2 more transcripts); c.4142-2993T>G (NM_001354271.2, NM_001386151.1, NM_001354260.2); c.3944-2993T>G (NM_001386158.1); c.4472-2993T>G (NM_001354241.2, NM_001386144.1, NM_001354240.2); c.4439-2993T>G (NM_001354225.2); c.4424-2993T>G (NM_001354235.2, NM_001354246.2, NM_001354265.2); and 35 more; short protein forms V1871G, V2993G, V3071G, V3110G, V3118G.
Identifiers: ClinVar variation 2628596 (VCV002628596.2), dbSNP rs758289079, ClinGen allele CA3051885.

ClinVar aggregate classification (germline): Uncertain significance. Review status: criteria provided, multiple submitters, no conflicts (2 of 4 stars). 2 submissions from 2 submitters: Uncertain significance (2). Last evaluated 2025-12-03.

Conditions:
Long QT syndrome (LQTS). Identifiers: MedGen C0023976, MeSH D008133, MONDO:0002442. Disease mechanism: loss of function. Inheritance: Various modes of inheritance.
ANK2-related disorder. Also called: ANK2-related condition.

Allele frequency attached by ClinVar (database versions not stated): ExAC 0.00001; gnomAD exomes 0.00001.
gnomAD v4.1: 14 of 1,613,886 alleles (0.00087%); highest among the groups gnomAD compares: Non-Finnish European, 0.0012%; no homozygotes.

Submissions (2):

Labcorp Genetics (formerly Invitae), Labcorp
Classification: Uncertain significance for Long QT syndrome. Last evaluated: 2025-12-03. Review status: criteria provided, single submitter. Criteria: Invitae Variant Classification Sherloc (09022015). Collection method: clinical testing. Allele origin: germline.
Comment: This sequence change replaces valine, which is neutral and non-polar, with glycine, which is neutral and non-polar, at codon 3071 of the ANK2 protein (p.Val3071Gly). This variant is present in population databases (rs758289079, gnomAD 0.002%). This variant has not been reported in the literature in individuals affected with ANK2-related conditions. ClinVar contains an entry for this variant (Variation ID: 2628596). An algorithm developed to predict the effect of missense changes on protein structure and function (PolyPhen-2) suggests that this variant is likely to be disruptive. In summary, the available evidence is currently insufficient to determine the role of this variant in disease. Therefore, it has been classified as a Variant of Uncertain Significance.

PreventionGenetics, part of Exact Sciences
Classification: Uncertain significance for ANK2-related condition. Last evaluated: 2023-09-19. Review status: criteria provided, single submitter. Criteria: ACMG Guidelines, 2015. Collection method: clinical testing. Allele origin: germline.
Comment: The ANK2 c.9212T>G variant is predicted to result in the amino acid substitution p.Val3071Gly. To our knowledge, this variant has not been reported in the literature. This variant is reported in 0.0018% of alleles in individuals of European (Non-Finnish) descent in gnomAD. At this time, the clinical significance of this variant is uncertain due to the absence of conclusive functional and genetic evidence.